The following is an entry in ClinVar:

ClinVar aggregate classification (germline): Likely benign (1 of 4 stars; one submission).

Allele frequency attached by ClinVar (database versions not stated): 1000 Genomes Project 0.00459; 1000 Genomes Project 30x 0.00500; TOPMed 0.01043; gnomAD 0.01115 and 0.01160.
gnomAD v4.1: 1,684 of 151,994 alleles (1.1%); highest among the groups gnomAD compares: Non-Finnish European, 1.6%; 14 homozygotes.

Submission:

GeneDx
Classification: Likely benign. Last evaluated: 2018-06-16. Review status: criteria provided, single submitter. Criteria: GeneDx Variant Classification (06012015). Collection method: clinical testing. Allele origin: germline. Affected: yes.
Comment: This variant is considered likely benign or benign based on one or more of the following criteria: it is a conservative change, it occurs at a poorly conserved position in the protein, it is predicted to be benign by multiple in silico algorithms, and/or has population frequency not consistent with disease.

NM_001040142.2(SCN2A):c.4308+282T>C

Gene: SCN2A (sodium voltage-gated channel alpha subunit 2; plus strand). Cytogenetic location: 2q24.3.
Variant type: single nucleotide variant.
Coding change: c.4308+282T>C on transcript NM_001040142.2 (MANE Select); 282 bases into the intron after coding-DNA position 4308, T replaced by C.
Molecular consequence: intron variant.
Genome position (GRCh38, 1-based): chr2:165,377,932, T>C. VCF-style: chr2-165377932-T-C. GRCh37 (hg19) VCF-style: chr2-166234442-T-C.
Other names: c.4308+282T>C (NM_001040143.2, NM_001371246.1, NM_001371247.1 and 1 more transcripts).
Identifiers: ClinVar variation 673541 (VCV000673541.1), dbSNP rs76286600, ClinGen allele CA59744178.